The following is an entry in ClinVar:

NM_005932.4(MIPEP):c.719G>A (p.Arg240His)

Gene: MIPEP (mitochondrial intermediate peptidase; minus strand). Cytogenetic location: 13q12.12.
Variant type: single nucleotide variant.
Coding change: c.719G>A on transcript NM_005932.4 (MANE Select); coding-DNA position 719, G replaced by A.
Protein change: p.Arg240His; replaces arginine 240 with histidine.
Molecular consequence: missense variant.
Genome position (GRCh38, 1-based): chr13:23,870,080, C>T on the plus strand (G>A on the coding strand, the complement: MIPEP is on the minus strand). VCF-style: chr13-23870080-C-T. GRCh37 (hg19) VCF-style: chr13-24444219-C-T.
Other names: c.719G>A (NM_005932.3); short protein forms R240H.
Identifiers: ClinVar variation 1905433 (VCV001905433.6), dbSNP rs373751183, ClinGen allele CA6913219.
Genomic context (GRCh38, chr13:23,870,080, plus strand): 5'-TCTGGTGATTCTGCGTGGAGACCATCAATTATGATATGATCCCCAGCAGATGTAAAGTTA[C>T]GACGAATGTGTTCTGGTAAGAGATGCTTCTCAATCTTGTTGGGAAAATTGGTTCCCATAA-3'
Protein context (NP_005923.3, residues 230-250): EKHLLPEHIR[Arg240His]NFTSAGDHII

ClinVar aggregate classification (germline): Conflicting classifications of pathogenicity. Review status: criteria provided, conflicting classifications (1 of 4 stars). 2 submissions from 2 submitters: Uncertain significance (1); Likely benign (1). Last evaluated 2025-03-25.

Conditions:
Inborn genetic diseases. Identifiers: MedGen C0950123, MeSH D030342.

Allele frequency attached by ClinVar (database versions not stated): gnomAD exomes 0.00001; TOPMed 0.00002; ExAC 0.00003; gnomAD 0.00006; ESP Exome Variant Server 0.00008.
gnomAD v4.1: 19 of 1,612,434 alleles (0.0012%); highest among the groups gnomAD compares: African/African-American, 0.016%; no homozygotes.

Submissions (2):

Ambry Genetics
Classification: Likely benign for Inborn genetic diseases. Last evaluated: 2025-03-25. Review status: criteria provided, single submitter. Criteria: Ambry Variant Classification Scheme 2023. Collection method: clinical testing. Allele origin: germline.

Labcorp Genetics (formerly Invitae), Labcorp
Classification: Uncertain significance. Last evaluated: 2022-08-19. Review status: criteria provided, single submitter. Criteria: Invitae Variant Classification Sherloc (09022015). Collection method: clinical testing. Allele origin: germline.
Comment: This sequence change replaces arginine, which is basic and polar, with histidine, which is basic and polar, at codon 240 of the MIPEP protein (p.Arg240His). This variant is present in population databases (rs373751183, gnomAD 0.02%). This variant has not been reported in the literature in individuals affected with MIPEP-related conditions. Algorithms developed to predict the effect of missense changes on protein structure and function output the following: SIFT: "Tolerated"; PolyPhen-2: "Benign"; Align-GVGD: "Class C0". The histidine amino acid residue is found in multiple mammalian species, which suggests that this missense change does not adversely affect protein function. In summary, the available evidence is currently insufficient to determine the role of this variant in disease. Therefore, it has been classified as a Variant of Uncertain Significance.